The following is an entry in ClinVar:

ClinVar aggregate classification (germline): Uncertain significance (1 of 4 stars; one submission).

Submission:

Women's Health and Genetics/Laboratory Corporation of America, LabCorp
Classification: Uncertain significance. Last evaluated: 2024-08-07. Review status: criteria provided, single submitter. Criteria: LabCorp Variant Classification Summary - May 2015. Collection method: clinical testing. Allele origin: germline.
Comment: Variant summary: HNF4A c.670G>A (p.Gly224Ser) results in a non-conservative amino acid change located in the Nuclear hormone receptor, ligand-binding domain (IPR000536) of the encoded protein sequence. Four of five in-silico tools predict a damaging effect of the variant on protein function. Several computational tools predict a significant impact on normal splicing: One predict the variant abolishes a 5' splicing donor site. Three predict the variant weakens a 5' donor site. However, these predictions have yet to be confirmed by functional studies. The frequency data for this variant in gnomAD is considered unreliable, as metrics indicate poor data quality at this position. c.670G>A has been reported in the literature in at least one heterozygous individual affected with Maturity Onset Diabetes Of The Young 1 without evidence of causality (e.g. Ozdemir_2018). This report does not provide unequivocal conclusions about association of the variant with Maturity Onset Diabetes Of The Young 1/Neonatal Diabetes Mellitus. To our knowledge, no experimental evidence demonstrating an impact on protein function has been reported. The following publication has been ascertained in the context of this evaluation (PMID: 30447144). No submitters have cited clinical-significance assessments for this variant to ClinVar. Based on the evidence outlined above, the variant was classified as uncertain significance.

Literature cited by the submitters: PubMed 30447144.

NM_175914.5(HNF4A):c.670G>A (p.Gly224Ser)

Gene: HNF4A (hepatocyte nuclear factor 4 alpha; plus strand). Cytogenetic location: 20q13.12.
Variant type: single nucleotide variant.
Coding change: c.670G>A on transcript NM_175914.5 (MANE Select); coding-DNA position 670, G replaced by A.
Protein change: p.Gly224Ser; replaces glycine 224 with serine.
Molecular consequence: missense variant.
Genome position (GRCh38, 1-based): chr20:44,418,512, G>A. VCF-style: chr20-44418512-G-A. GRCh37 (hg19) VCF-style: chr20-43047152-G-A.
Other names: c.736G>A, p.Gly246Ser (NM_000457.6, NM_178849.3, NM_178850.3); c.670G>A, p.Gly224Ser (NM_001030003.3, NM_001030004.3); c.715G>A, p.Gly239Ser (NM_001258355.2); c.661G>A, p.Gly221Ser (NM_001287182.2, NM_001287183.2, NM_001287184.2); short protein forms G221S, G224S, G239S, G246S.
Identifiers: ClinVar variation 3366448 (VCV003366448.1).